The following is an entry in ClinVar:

NM_000478.6(ALPL):c.553G>A (p.Asp185Asn)

Gene: ALPL (alkaline phosphatase, biomineralization associated; plus strand). Cytogenetic location: 1p36.12.
Variant type: single nucleotide variant.
Coding change: c.553G>A on transcript NM_000478.6 (MANE Select); coding-DNA position 553, G replaced by A.
Protein change: p.Asp185Asn; replaces aspartic acid 185 with asparagine.
Molecular consequence: missense variant.
Genome position (GRCh38, 1-based): chr1:21,564,121, G>A. VCF-style: chr1-21564121-G-A. GRCh37 (hg19) VCF-style: chr1-21890614-G-A.
Other names: c.388G>A, p.Asp130Asn (NM_001127501.4); c.322G>A, p.Asp108Asn (NM_001177520.3); c.553G>A, p.Asp185Asn (NM_001369803.2, NM_001369804.2, NM_001369805.2); short protein forms D130N, D108N, D185N.
Identifiers: ClinVar variation 4764705 (VCV004764705.1).
Genomic context (GRCh38, chr1:21,564,121, plus strand): 5'-ACCACCACGAGAGTGAACCATGCCACCCCCAGCGCCGCCTACGCCCACTCGGCTGACCGG[G>A]ACTGGTACTCAGACAACGAGATGCCCCCTGAGGCCTTGAGCCAGGGCTGTAAGGACATCG-3'
Protein context (NP_000469.3, residues 175-195): SAAYAHSADR[Asp185Asn]WYSDNEMPPE

ClinVar aggregate classification (germline): Uncertain significance (1 of 4 stars; one submission).

gnomAD v4.1: 2 of 1,614,094 alleles (0.00012%); highest among the groups gnomAD compares: Non-Finnish European, 0.00017%; no homozygotes.

Submission:

Labcorp Genetics (formerly Invitae), Labcorp
Classification: Uncertain significance. Last evaluated: 2025-03-07. Review status: criteria provided, single submitter. Criteria: Invitae Variant Classification Sherloc (09022015). Collection method: clinical testing. Allele origin: germline.
Comment: This sequence change replaces aspartic acid, which is acidic and polar, with asparagine, which is neutral and polar, at codon 185 of the ALPL protein (p.Asp185Asn). This variant is not present in population databases (gnomAD no frequency). This variant has not been reported in the literature in individuals affected with ALPL-related conditions. Invitae Evidence Modeling of protein sequence and biophysical properties (such as structural, functional, and spatial information, amino acid conservation, physicochemical variation, residue mobility, and thermodynamic stability) indicates that this missense variant is expected to disrupt ALPL protein function with a positive predictive value of 95%. In summary, the available evidence is currently insufficient to determine the role of this variant in disease. Therefore, it has been classified as a Variant of Uncertain Significance.